The following is an entry in ClinVar:

ClinVar aggregate classification (germline): Uncertain significance (1 of 4 stars; one submission).

Submission:

Ambry Genetics
Classification: Uncertain significance. Last evaluated: 2024-05-04. Review status: criteria provided, single submitter. Criteria: Ambry Variant Classification Scheme 2023. Collection method: clinical testing. Allele origin: germline.
Comment: The p.L1761V variant (also known as c.5281C>G), located in coding exon 4 of the ALPK2 gene, results from a C to G substitution at nucleotide position 5281. The leucine at codon 1761 is replaced by valine, an amino acid with highly similar properties. This amino acid position is conserved. In addition, this alteration is predicted to be tolerated by in silico analysis. Since supporting evidence is limited at this time, the clinical significance of this alteration remains unclear.

NM_052947.4(ALPK2):c.5281C>G (p.Leu1761Val)

Genes: ALPK2 (alpha kinase 2; minus strand), LOC130062577 (ATAC-STARR-seq lymphoblastoid active region 13389; plus strand). Cytogenetic location: 18q21.31.
Variant type: single nucleotide variant.
Coding change: c.5281C>G on transcript NM_052947.4 (MANE Select); coding-DNA position 5281, C replaced by G.
Protein change: p.Leu1761Val; replaces leucine 1761 with valine.
Molecular consequence: missense variant.
Genome position (GRCh38, 1-based): chr18:58,534,906, G>C on the plus strand (C>G on the coding strand, the complement: ALPK2 is on the minus strand). VCF-style: chr18-58534906-G-C. GRCh37 (hg19) VCF-style: chr18-56202138-G-C.
Other names: short protein forms L1761V.
Identifiers: ClinVar variation 1746573 (VCV001746573.3), dbSNP rs2518873186, ClinGen allele CA402557225.
Genomic context (GRCh38, chr18:58,534,906, plus strand): 5'-TTTTGCAAGATGGCTTTTTTGGGTCTTGTTTCTCTTCTGTGTGTGATAATGATGTTTCGA[G>C]TTTGGGCATCTTTTTAAGAAAGGCTGAGTTCTTTCTGATATTTTCCTTTTCTTCCAGTTT-3'
Protein context (NP_443179.3, residues 1751-1771): NSAFLKKMPK[Leu1761Val]ETSLSHTEEK